The following is an entry in ClinVar:

NM_020928.2(ZSWIM6):c.868A>C (p.Lys290Gln)

Gene: ZSWIM6 (zinc finger SWIM-type containing 6; plus strand). Cytogenetic location: 5q12.1.
Variant type: single nucleotide variant.
Coding change: c.868A>C on transcript NM_020928.2 (MANE Select); coding-DNA position 868, A replaced by C.
Protein change: p.Lys290Gln; replaces lysine 290 with glutamine.
Molecular consequence: missense variant.
Genome position (GRCh38, 1-based): chr5:61,472,872, A>C. VCF-style: chr5-61472872-A-C. GRCh37 (hg19) VCF-style: chr5-60768699-A-C.
Other names: short protein forms K290Q.
Identifiers: ClinVar variation 1707734 (VCV001707734.2), dbSNP rs2479005381, ClinGen allele CA359941662.

ClinVar aggregate classification (germline): Uncertain significance (1 of 4 stars; one submission).

Submission:

GeneDx
Classification: Uncertain significance. Last evaluated: 2022-03-30. Review status: criteria provided, single submitter. Criteria: GeneDx Variant Classification Process June 2021. Collection method: clinical testing. Allele origin: germline. Affected: yes.
Comment: Not observed at significant frequency in large population cohorts (gnomAD); In silico analysis supports that this missense variant does not alter protein structure/function; Has not been previously published as pathogenic or benign to our knowledge